The following is an entry in ClinVar:

ClinVar aggregate classification (germline): Pathogenic. Review status: criteria provided, multiple submitters, no conflicts (2 of 4 stars). 3 submissions from 3 submitters: Pathogenic (3). Last evaluated 2025-04-23.

Conditions:
Amyotrophic lateral sclerosis type 6. Also called: Amyotrophic lateral sclerosis 6, with or without frontotemporal dementia; AMYOTROPHIC LATERAL SCLEROSIS 6 WITHOUT FRONTOTEMPORAL DEMENTIA; FUS-Related Amyotrophic Laterial Sclerosis. Identifiers: Orphanet 275872, Orphanet 803, MedGen C2931786, MONDO:0011951, OMIM 608030.
Tremor, hereditary essential, 4 (ETM4). Identifiers: MedGen C3539195, MONDO:0013888, OMIM 614782.

Submissions (3):

Genetics and Molecular Pathology, SA Pathology
Classification: Pathogenic for Amyotrophic lateral sclerosis type 6; Tremor, hereditary essential, 4. Last evaluated: 2025-04-23. Review status: criteria provided, single submitter. Criteria: ACMG Guidelines, 2015. Collection method: clinical testing. Allele origin: germline. Affected: yes.

CeGaT Center for Human Genetics Tuebingen
Classification: Pathogenic. Last evaluated: 2023-01-01. Review status: criteria provided, single submitter. Criteria: CeGaT Center For Human Genetics Tuebingen Variant Classification Criteria Version 2. Collection method: clinical testing. Allele origin: germline. Affected: yes. Observed: 1 variant allele.
Comment: FUS: PS2, PM2, PS4:Moderate, PVS1:Moderate

Labcorp Genetics (formerly Invitae), Labcorp
Classification: Pathogenic for Tremor, hereditary essential, 4; Amyotrophic lateral sclerosis type 6. Last evaluated: 2020-03-05. Review status: criteria provided, single submitter. Criteria: Invitae Variant Classification Sherloc (09022015). Collection method: clinical testing. Allele origin: germline.
Comment: For these reasons, this variant has been classified as Pathogenic. This variant has been observed in individual(s) with juvenile amyotrophic lateral sclerosis (PMID: 28429524, 26788680, 20668261). In at least one individual the variant was observed to be de novo. This variant is not present in population databases (ExAC no frequency). This sequence change results in a premature translational stop signal in the FUS gene (p.Gln519Ilefs*9). While this is not anticipated to result in nonsense mediated decay, it is expected to disrupt the last 8 amino acids of the FUS protein.

Literature cited by the submitters: PubMed 28429524 (cited by Labcorp Genetics (formerly Invitae), Labcorp); PubMed 26788680 (cited by Labcorp Genetics (formerly Invitae), Labcorp); PubMed 20668261 (cited by Labcorp Genetics (formerly Invitae), Labcorp).

NM_004960.4(FUS):c.1554_1557del (p.Gln519fs)

Gene: FUS (FUS DNA/RNA binding protein; plus strand). Cytogenetic location: 16p11.2.
Variant type: Microsatellite.
Coding change: c.1554_1557del on transcript NM_004960.4 (MANE Select); coding-DNA positions 1554 to 1557, 4 bases deleted (ACAG; older notation c.1554_1557delACAG).
Protein change: p.Gln519fs; shifts the reading frame from glutamine 519.
Molecular consequence: frameshift variant. On other transcripts: non-coding transcript variant (1).
Genome position (GRCh38, 1-based): chr16:31,191,411-31,191,414, ACAG deleted; deleting any 4 consecutive bases within chr16:31,191,407-31,191,414 gives the same sequence; the c. name uses the placement nearest the transcript's 3' end. VCF-style (leftmost placement, unchanged base first): chr16-31191406-CACAG-C. GRCh37 (hg19) VCF-style: chr16-31202727-CACAG-C.
Other names: c.1554_1557delACAG (NM_004960.4); c.1551_1554del, p.Gln518fs (NM_001170634.1); c.1542_1545del, p.Gln515fs (NM_001170937.1); short protein forms Q515fs, Q518fs, Q519fs.
Identifiers: ClinVar variation 1073222 (VCV001073222.37), dbSNP rs2144142389, ClinGen allele CA2573105932.